The following is an entry in ClinVar:

NM_030665.4(RAI1):c.1692_1693del (p.Met564fs)

Gene: RAI1 (retinoic acid induced 1; plus strand). Cytogenetic location: 17p11.2.
Variant type: Deletion.
Coding change: c.1692_1693del on transcript NM_030665.4 (MANE Select); coding-DNA positions 1692 to 1693, 2 bases deleted (GT; older notation c.1692_1693delGT).
Protein change: p.Met564fs; shifts the reading frame from methionine 564.
Molecular consequence: frameshift variant.
Genome position (GRCh38, 1-based): chr17:17,794,640-17,794,641, GT deleted; deleting any 2 consecutive bases within chr17:17,794,639-17,794,641 gives the same sequence; the c. name uses the placement nearest the transcript's 3' end. VCF-style (leftmost placement, unchanged base first): chr17-17794638-ATG-A. GRCh37 (hg19) VCF-style: chr17-17697952-ATG-A.
Other names: short protein forms M564fs.
Identifiers: ClinVar variation 1800921 (VCV001800921.1), dbSNP rs2508577352, ClinGen allele CA2580092730.

ClinVar aggregate classification (germline): Pathogenic (1 of 4 stars; one submission).

Submission:

GeneDx
Classification: Pathogenic. Last evaluated: 2022-05-25. Review status: criteria provided, single submitter. Criteria: GeneDx Variant Classification Process June 2021. Collection method: clinical testing. Allele origin: germline. Affected: yes.
Comment: Frameshift variant predicted to result in protein truncation or nonsense mediated decay in a gene for which loss of function is a known mechanism of disease; Not observed at significant frequency in large population cohorts (gnomAD); Has not been previously published as pathogenic or benign to our knowledge